The following is an entry in ClinVar:

NM_003073.5(SMARCB1):c.579G>A (p.Met193Ile)

Gene: SMARCB1 (SWI/SNF related BAF chromatin remodeling complex subunit B1; plus strand). Cytogenetic location: 22q11.23.
Variant type: single nucleotide variant.
Coding change: c.579G>A on transcript NM_003073.5 (MANE Select); coding-DNA position 579, G replaced by A.
Protein change: p.Met193Ile; replaces methionine 193 with isoleucine.
Molecular consequence: missense variant.
Genome position (GRCh38, 1-based): chr22:23,803,373, G>A. VCF-style: chr22-23803373-G-A. GRCh37 (hg19) VCF-style: chr22-24145560-G-A.
Other names: c.552G>A, p.Met184Ile (NM_001007468.3); c.606G>A, p.Met202Ile (NM_001317946.2); c.633G>A, p.Met211Ile (NM_001362877.2); short protein forms M193I, M184I, M211I, M202I.
Identifiers: ClinVar variation 965912 (VCV000965912.9), dbSNP rs1929290030, ClinGen allele CA410935845.

ClinVar aggregate classification (germline): Uncertain significance (1 of 4 stars; one submission).

Submission:

Labcorp Genetics (formerly Invitae), Labcorp
Classification: Uncertain significance. Last evaluated: 2019-11-11. Review status: criteria provided, single submitter. Criteria: Invitae Variant Classification Sherloc (09022015). Collection method: clinical testing. Allele origin: germline.
Comment: In summary, the available evidence is currently insufficient to determine the role of this variant in disease. Therefore, it has been classified as a Variant of Uncertain Significance. Algorithms developed to predict the effect of sequence changes on RNA splicing suggest that this variant may create or strengthen a splice site, but this prediction has not been confirmed by published transcriptional studies. Algorithms developed to predict the effect of missense changes on protein structure and function (SIFT, PolyPhen-2, Align-GVGD) all suggest that this variant is likely to be tolerated, but these predictions have not been confirmed by published functional studies and their clinical significance is uncertain. This variant has not been reported in the literature in individuals with SMARCB1-related conditions. This variant is not present in population databases (ExAC no frequency). This sequence change replaces methionine with isoleucine at codon 193 of the SMARCB1 protein (p.Met193Ile). The methionine residue is highly conserved and there is a small physicochemical difference between methionine and isoleucine.